The following is an entry in ClinVar:

ClinVar aggregate classification (germline): Uncertain significance. Review status: criteria provided, multiple submitters, no conflicts (2 of 4 stars). 2 submissions from 2 submitters: Uncertain significance (2). Last evaluated 2025-09-23.

Conditions:
Hyperekplexia 3 (HKPX3). Also called: HYPEREKPLEXIA 3, AUTOSOMAL RECESSIVE; HYPEREKPLEXIA 3, AUTOSOMAL DOMINANT. Identifiers: Orphanet 3197, MedGen C3553288, MONDO:0013827, OMIM 614618.
Inborn genetic diseases. Identifiers: MedGen C0950123, MeSH D030342.

Submissions (2):

Labcorp Genetics (formerly Invitae), Labcorp
Classification: Uncertain significance for Hyperekplexia 3. Last evaluated: 2025-09-23. Review status: criteria provided, single submitter. Criteria: Invitae Variant Classification Sherloc (09022015). Collection method: clinical testing. Allele origin: germline.
Comment: This sequence change replaces serine, which is neutral and polar, with leucine, which is neutral and non-polar, at codon 250 of the SLC6A5 protein (p.Ser250Leu). This variant is present in population databases (rs761251963, gnomAD 0.004%). This variant has not been reported in the literature in individuals affected with SLC6A5-related conditions. ClinVar contains an entry for this variant (Variation ID: 3957566). Invitae Evidence Modeling of protein sequence and biophysical properties (such as structural, functional, and spatial information, amino acid conservation, physicochemical variation, residue mobility, and thermodynamic stability) indicates that this missense variant is not expected to disrupt SLC6A5 protein function with a negative predictive value of 95%. In summary, the available evidence is currently insufficient to determine the role of this variant in disease. Therefore, it has been classified as a Variant of Uncertain Significance.

Ambry Genetics
Classification: Uncertain significance for Inborn genetic diseases. Last evaluated: 2025-04-03. Review status: criteria provided, single submitter. Criteria: Ambry Variant Classification Scheme 2023. Collection method: clinical testing. Allele origin: germline.

NM_004211.5(SLC6A5):c.749C>T (p.Ser250Leu)

Gene: SLC6A5 (solute carrier family 6 member 5; plus strand). Cytogenetic location: 11p15.1.
Variant type: single nucleotide variant.
Coding change: c.749C>T on transcript NM_004211.5 (MANE Select); coding-DNA position 749, C replaced by T.
Protein change: p.Ser250Leu; replaces serine 250 with leucine.
Molecular consequence: missense variant.
Genome position (GRCh38, 1-based): chr11:20,607,076, C>T. VCF-style: chr11-20607076-C-T. GRCh37 (hg19) VCF-style: chr11-20628622-C-T.
Other names: c.47C>T, p.Ser16Leu (NM_001318369.2); short protein forms S250L, S16L.
Identifiers: ClinVar variation 3957566 (VCV003957566.2).
Genomic context (GRCh38, chr11:20,607,076, plus strand): 5'-TCATCCCTTACCTGATGATGCTGGCTCTGGCTGGATTACCCATCTTCTTCTTGGAGGTGT[C>T]GCTGGGCCAGTTTGCCAGCCAGGGACCAGTGTCTGTGTGGAAGGCCATCCCAGCTCTACA-3'
Protein context (NP_004202.4, residues 240-260): AGLPIFFLEV[Ser250Leu]LGQFASQGPV